The following is an entry in ClinVar:

NM_002087.4(GRN):c.1730C>T (p.Ala577Val)

Gene: GRN (granulin precursor; plus strand). Cytogenetic location: 17q21.31.
Variant type: single nucleotide variant.
Coding change: c.1730C>T on transcript NM_002087.4 (MANE Select); coding-DNA position 1730, C replaced by T.
Protein change: p.Ala577Val; replaces alanine 577 with valine.
Molecular consequence: missense variant.
Genome position (GRCh38, 1-based): chr17:44,352,746, C>T. VCF-style: chr17-44352746-C-T. GRCh37 (hg19) VCF-style: chr17-42430114-C-T.
Other names: short protein forms A577V.
Identifiers: ClinVar variation 1928758 (VCV001928758.5), dbSNP rs2510058683, ClinGen allele CA399771087.

ClinVar aggregate classification (germline): Uncertain significance (1 of 4 stars; one submission).

Conditions:
Neuronal ceroid lipofuscinosis 11. Also called: GRN-Related Neuronal Ceroid-Lipofuscinosis. Identifiers: Orphanet 314629, Orphanet 79262, MedGen C3539123, MONDO:0013866, OMIM 614706.
GRN-related frontotemporal lobar degeneration with Tdp43 inclusions (FTD2). Also called: GRN Frontotemporal Dementia; DEMENTIA, HEREDITARY DYSPHASIC DISINHIBITION; FRONTOTEMPORAL LOBAR DEGENERATION WITH UBIQUITIN-POSITIVE INCLUSIONS; FTLD-TDP, GRN-RELATED; FRONTOTEMPORAL DEMENTIA WITH TDP43 INCLUSIONS, GRN-RELATED. Identifiers: Orphanet 100070, Orphanet 282, MedGen C1843792, MONDO:0011842, OMIM 607485. Disease mechanism: loss of function.

Submission:

Labcorp Genetics (formerly Invitae), Labcorp
Classification: Uncertain significance for Neuronal ceroid lipofuscinosis 11; GRN-related frontotemporal lobar degeneration with Tdp43 inclusions. Last evaluated: 2023-06-24. Review status: criteria provided, single submitter. Criteria: Invitae Variant Classification Sherloc (09022015). Collection method: clinical testing. Allele origin: germline.
Comment: In summary, the available evidence is currently insufficient to determine the role of this variant in disease. Therefore, it has been classified as a Variant of Uncertain Significance. Advanced modeling of protein sequence and biophysical properties (such as structural, functional, and spatial information, amino acid conservation, physicochemical variation, residue mobility, and thermodynamic stability) performed at Invitae indicates that this missense variant is not expected to disrupt GRN protein function. ClinVar contains an entry for this variant (Variation ID: 1928758). This variant has not been reported in the literature in individuals affected with GRN-related conditions. This variant is not present in population databases (gnomAD no frequency). This sequence change replaces alanine, which is neutral and non-polar, with valine, which is neutral and non-polar, at codon 577 of the GRN protein (p.Ala577Val).